The following is an entry in ClinVar:

ClinVar aggregate classification (germline): Uncertain significance (1 of 4 stars; one submission).

gnomAD v4.1: 66 of 1,598,730 alleles (0.0041%); highest among the groups gnomAD compares: South Asian, 0.0068%; no homozygotes.

Submission:

GeneDx
Classification: Uncertain significance. Last evaluated: 2024-01-04. Review status: criteria provided, single submitter. Criteria: GeneDx Variant Classification Process June 2021. Collection method: clinical testing. Allele origin: germline. Affected: yes.
Comment: Not observed at significant frequency in large population cohorts (gnomAD); In silico analysis supports that this missense variant has a deleterious effect on protein structure/function; Has not been previously published as pathogenic or benign to our knowledge

NM_003672.4(CDC14A):c.1016G>A (p.Arg339Gln)

Gene: CDC14A (cell division cycle 14A; plus strand). Cytogenetic location: 1p21.2.
Variant type: single nucleotide variant.
Coding change: c.1016G>A on transcript NM_003672.4 (MANE Select); coding-DNA position 1016, G replaced by A.
Protein change: p.Arg339Gln; replaces arginine 339 with glutamine.
Molecular consequence: missense variant.
Genome position (GRCh38, 1-based): chr1:100,484,330, G>A. VCF-style: chr1-100484330-G-A. GRCh37 (hg19) VCF-style: chr1-100949886-G-A.
Other names: c.1016G>A, p.Arg339Gln (NM_001319210.2, NM_033312.3, NM_033313.3); c.842G>A, p.Arg281Gln (NM_001319211.2); c.137G>A, p.Arg46Gln (NM_001319212.2); short protein forms R281Q, R339Q, R46Q.
Identifiers: ClinVar variation 3367337 (VCV003367337.1).